The following is an entry in ClinVar:

ClinVar aggregate classification (germline): Conflicting classifications of pathogenicity. Review status: criteria provided, conflicting classifications (1 of 4 stars). 3 submissions from 3 submitters: Uncertain significance (1); Likely benign (1). 1 of the submissions does not count toward it. Last evaluated 2024-05-08.

Conditions:
Inborn genetic diseases. Identifiers: MedGen C0950123, MeSH D030342.
Cornelia de Lange syndrome 1 (CDLS1). Also called: TYPUS DEGENERATIVUS AMSTELODAMENSIS; Brachmann de Lange syndrome; NIPBL-Related Cornelia de Lange Syndrome. Identifiers: Orphanet 199, MedGen C4551851, MONDO:0007387, OMIM 122470.
NIPBL-related disorder. Also called: NIPBL-related condition.

Allele frequency attached by ClinVar (database versions not stated): gnomAD exomes 0.00002; ExAC 0.00004; TOPMed 0.00015; gnomAD 0.00020; ESP Exome Variant Server 0.00023.
gnomAD v4.1: 53 of 1,613,712 alleles (0.0033%); highest among the groups gnomAD compares: African/African-American, 0.071%; no homozygotes.

Submissions (3):

Labcorp Genetics (formerly Invitae), Labcorp
Classification: Uncertain significance for Cornelia de Lange syndrome 1. Last evaluated: 2024-05-08. Review status: criteria provided, single submitter. Criteria: Invitae Variant Classification Sherloc (09022015). Collection method: clinical testing. Allele origin: germline.
Comment: This sequence change replaces glycine, which is neutral and non-polar, with valine, which is neutral and non-polar, at codon 532 of the NIPBL protein (p.Gly532Val). This variant is present in population databases (rs138210440, gnomAD 0.05%). This variant has not been reported in the literature in individuals affected with NIPBL-related conditions. ClinVar contains an entry for this variant (Variation ID: 2388641). Advanced modeling of protein sequence and biophysical properties (such as structural, functional, and spatial information, amino acid conservation, physicochemical variation, residue mobility, and thermodynamic stability) has been performed at Invitae for this missense variant, however the output from this modeling did not meet the statistical confidence thresholds required to predict the impact of this variant on NIPBL protein function. In summary, the available evidence is currently insufficient to determine the role of this variant in disease. Therefore, it has been classified as a Variant of Uncertain Significance.

Ambry Genetics
Classification: Likely benign for Inborn genetic diseases. Last evaluated: 2022-11-01. Review status: criteria provided, single submitter. Criteria: Ambry Variant Classification Scheme 2023. Collection method: clinical testing. Allele origin: germline.

PreventionGenetics, part of Exact Sciences
Classification: Likely benign for NIPBL-related condition. Last evaluated: 2022-06-29. Review status: no assertion criteria provided. Collection method: clinical testing. Allele origin: germline. Not counted in ClinVar's aggregate classification.
Comment: This variant is classified as likely benign based on ACMG/AMP sequence variant interpretation guidelines (Richards et al. 2015 PMID: 25741868, with internal and published modifications).

NM_133433.4(NIPBL):c.1595G>T (p.Gly532Val)

Gene: NIPBL (NIPBL cohesin loading factor; plus strand). Cytogenetic location: 5p13.2.
Variant type: single nucleotide variant.
Coding change: c.1595G>T on transcript NM_133433.4 (MANE Select); coding-DNA position 1595, G replaced by T.
Protein change: p.Gly532Val; replaces glycine 532 with valine.
Molecular consequence: missense variant.
Genome position (GRCh38, 1-based): chr5:36,984,775, G>T. VCF-style: chr5-36984775-G-T. GRCh37 (hg19) VCF-style: chr5-36984877-G-T.
Other names: c.1595G>T, p.Gly532Val (NM_015384.5); short protein forms G532V.
Identifiers: ClinVar variation 2388641 (VCV002388641.7), dbSNP rs138210440, ClinGen allele CA3236059.